The following is an entry in ClinVar:

NM_006231.4(POLE):c.2043C>G (p.Ser681Arg)

Gene: POLE (DNA polymerase epsilon, catalytic subunit; minus strand). Cytogenetic location: 12q24.33.
Variant type: single nucleotide variant.
Coding change: c.2043C>G on transcript NM_006231.4 (MANE Select); coding-DNA position 2043, C replaced by G.
Protein change: p.Ser681Arg; replaces serine 681 with arginine.
Molecular consequence: missense variant.
Genome position (GRCh38, 1-based): chr12:132,668,486, G>C on the plus strand (C>G on the coding strand, the complement: POLE is on the minus strand). VCF-style: chr12-132668486-G-C. GRCh37 (hg19) VCF-style: chr12-133245072-G-C.
Other names: short protein forms S681R.
Identifiers: ClinVar variation 3364682 (VCV003364682.3).

ClinVar aggregate classification (germline): Uncertain significance. Review status: criteria provided, multiple submitters, no conflicts (2 of 4 stars). 2 submissions from 2 submitters: Uncertain significance (2). Last evaluated 2024-05-07.

Submissions (2):

Labcorp Genetics (formerly Invitae), Labcorp
Classification: Uncertain significance. Last evaluated: 2024-05-07. Review status: criteria provided, single submitter. Criteria: Invitae Variant Classification Sherloc (09022015). Collection method: clinical testing. Allele origin: germline.
Comment: This sequence change replaces serine, which is neutral and polar, with arginine, which is basic and polar, at codon 681 of the POLE protein (p.Ser681Arg). This variant is not present in population databases (gnomAD no frequency). This variant has not been reported in the literature in individuals affected with POLE-related conditions. Advanced modeling of protein sequence and biophysical properties (such as structural, functional, and spatial information, amino acid conservation, physicochemical variation, residue mobility, and thermodynamic stability) performed at Invitae indicates that this missense variant is not expected to disrupt POLE protein function with a negative predictive value of 80%. In summary, the available evidence is currently insufficient to determine the role of this variant in disease. Therefore, it has been classified as a Variant of Uncertain Significance.

GeneDx
Classification: Uncertain significance. Last evaluated: 2023-11-21. Review status: criteria provided, single submitter. Criteria: GeneDx Variant Classification Process June 2021. Collection method: clinical testing. Allele origin: germline. Affected: yes.
Comment: Not observed at significant frequency in large population cohorts (gnomAD); In silico analysis supports that this missense variant has a deleterious effect on protein structure/function; Has not been previously published as pathogenic or benign to our knowledge; This variant is associated with the following publications: (PMID: 20951805)